The following is an entry in ClinVar:

GRCh38/hg38 3p26.3-26.2(chr3:2577647-3615783)x3

Genes: CNTN4 (contactin 4; plus strand), CNTN4-AS1 (CNTN4 antisense RNA 1; minus strand), CRBN (cereblon; minus strand), IL5RA (interleukin 5 receptor subunit alpha; minus strand), TRNT1 (tRNA nucleotidyl transferase 1; plus strand) and 19 more. Cytogenetic location: 3p26.3-26.2.
Variant type: copy number gain.
Change: copy number 3 (three copies instead of two) of chr3:2,577,647-3,615,783 (1.04 Mb, GRCh38 coordinates, 1-based), cytogenetic band 3p26.3-26.2.
Identifiers: ClinVar variation 57693 (VCV000057693.2).

ClinVar aggregate classification (germline): Uncertain significance (1 of 4 stars; one submission).

Submission:

ISCA Site 6
Classification: Uncertain significance. Last evaluated: 2011-08-12. Review status: criteria provided, single submitter. Criteria: Kaminsky et al. (Genet Med. 2011). Collection method: clinical testing. Allele origin: maternal. Affected: yes. Observed: 1 variant allele.
Comment: Copy number variation identified through the course of routine clinical cytogenomic testing in postnatal populations. Clinical assertions have been curated as described in Kaminsky et al. 2011.